The following is an entry in ClinVar:

ClinVar aggregate classification (germline): Pathogenic (1 of 4 stars; one submission).

Conditions:
Familial thoracic aortic aneurysm and aortic dissection (TAAD). Also called: Thoracic aortic aneurysms and dissections. Identifiers: Orphanet 91387, MedGen C4707243, MONDO:0019625.

Submission:

Labcorp Genetics (formerly Invitae), Labcorp
Classification: Pathogenic for Familial thoracic aortic aneurysm and aortic dissection. Last evaluated: 2023-03-13. Review status: criteria provided, single submitter. Criteria: Invitae Variant Classification Sherloc (09022015). Collection method: clinical testing. Allele origin: germline.
Comment: For these reasons, this variant has been classified as Pathogenic. This variant disrupts the p.Met425 amino acid residue in TGFBR2. Other variant(s) that disrupt this residue have been determined to be pathogenic (PMID: 16251899, 18781618; Invitae). This suggests that this residue is clinically significant, and that variants that disrupt this residue are likely to be disease-causing. Advanced modeling of protein sequence and biophysical properties (such as structural, functional, and spatial information, amino acid conservation, physicochemical variation, residue mobility, and thermodynamic stability) performed at Invitae indicates that this missense variant is expected to disrupt TGFBR2 protein function. This missense change has been observed in individual(s) with clinical features of TGFBR2-related conditions (Invitae). This variant is not present in population databases (gnomAD no frequency). This sequence change replaces methionine, which is neutral and non-polar, with leucine, which is neutral and non-polar, at codon 425 of the TGFBR2 protein (p.Met425Leu).

Literature cited by the submitters: PubMed 16251899; PubMed 18781618.

NM_003242.6(TGFBR2):c.1273A>T (p.Met425Leu)

Gene: TGFBR2 (transforming growth factor beta receptor 2; plus strand). Cytogenetic location: 3p24.1.
Variant type: single nucleotide variant.
Coding change: c.1273A>T on transcript NM_003242.6 (MANE Select); coding-DNA position 1273, A replaced by T.
Protein change: p.Met425Leu; replaces methionine 425 with leucine.
Molecular consequence: missense variant. On other transcripts: intron variant (1).
Genome position (GRCh38, 1-based): chr3:30,674,123, A>T. VCF-style: chr3-30674123-A-T. GRCh37 (hg19) VCF-style: chr3-30715615-A-T.
Other names: c.1348A>T, p.Met450Leu (NM_001024847.3); c.1456A>T, p.Met486Leu (NM_001407126.1); c.1381A>T, p.Met461Leu (NM_001407127.1); c.1300A>T, p.Met434Leu (NM_001407128.1); c.1276A>T, p.Met426Leu (NM_001407129.1); c.1273A>T, p.Met425Leu (NM_001407130.1); c.1168A>T, p.Met390Leu (NM_001407132.1, NM_001407133.1, NM_001407134.1 and 2 more transcripts); c.988A>T, p.Met330Leu (NM_001407137.1); and 2 more; short protein forms M390L, M461L, M486L, M426L, M450L, M305L, M330L, M425L.
Identifiers: ClinVar variation 2845355 (VCV002845355.3), dbSNP rs104893817, ClinGen allele CA351808904.